The following is an entry in ClinVar:

NM_003036.4(SKI):c.878G>T (p.Gly293Val)

Gene: SKI (SKI proto-oncogene; plus strand). Cytogenetic location: 1p36.33.
Variant type: single nucleotide variant.
Coding change: c.878G>T on transcript NM_003036.4 (MANE Select); coding-DNA position 878, G replaced by T.
Protein change: p.Gly293Val; replaces glycine 293 with valine.
Molecular consequence: missense variant.
Genome position (GRCh38, 1-based): chr1:2,229,644, G>T. VCF-style: chr1-2229644-G-T. GRCh37 (hg19) VCF-style: chr1-2161083-G-T.
Other names: short protein forms G293V.
Identifiers: ClinVar variation 3796266 (VCV003796266.1).
Genomic context (GRCh38, chr1:2,229,644, plus strand): 5'-ACTGGGGCTTCGACTCGGCCAACTGGCGGGCCTACATCCTGCTGAGCCAGGATTACACGG[G>T]CAAGGAGGAGCAGGCGCGCCTCGGCCGCTGCCTGGACGACGTGAAGGAGAAATTCGACTA-3'
Protein context (NP_003027.1, residues 283-303): AYILLSQDYT[Gly293Val]KEEQARLGRC

ClinVar aggregate classification (germline): Uncertain significance (1 of 4 stars; one submission).

Conditions:
Familial thoracic aortic aneurysm and aortic dissection (TAAD). Also called: Thoracic aortic aneurysms and dissections. Identifiers: Orphanet 91387, MedGen C4707243, MONDO:0019625.

gnomAD v4.1: 1 of 1,612,118 alleles (0.000062%); highest among the groups gnomAD compares: Non-Finnish European, 0.000085%; no homozygotes.

Submission:

Ambry Genetics
Classification: Uncertain significance for Familial thoracic aortic aneurysm and aortic dissection. Last evaluated: 2025-01-19. Review status: criteria provided, single submitter. Criteria: Ambry Variant Classification Scheme 2023. Collection method: clinical testing. Allele origin: germline.
Comment: The p.G293V variant (also known as c.878G>T), located in coding exon 1 of the SKI gene, results from a G to T substitution at nucleotide position 878. The glycine at codon 293 is replaced by valine, an amino acid with dissimilar properties. This amino acid position is conserved. In addition, the in silico prediction for this alteration is inconclusive. Based on the available evidence, the clinical significance of this variant remains unclear.